The following is an entry in ClinVar:

ClinVar aggregate classification (germline): Uncertain significance. Review status: criteria provided, multiple submitters, no conflicts (2 of 4 stars). 2 submissions from 2 submitters: Uncertain significance (2). Last evaluated 2023-12-03.

Conditions:
Hereditary diffuse gastric adenocarcinoma (HDGC). Also called: DIFFUSE GASTRIC AND LOBULAR BREAST CANCER SYNDROME. Identifiers: Orphanet 26106, MedGen C1708349, MONDO:0007648, OMIM 137215.
Hereditary cancer-predisposing syndrome. Also called: Tumor predisposition; Neoplastic Syndromes, Hereditary; Hereditary Cancer Syndrome; Hereditary neoplastic syndrome. Identifiers: Orphanet 140162, MedGen C0027672, MeSH D009386, MONDO:0015356.

Submissions (2):

Labcorp Genetics (formerly Invitae), Labcorp
Classification: Uncertain significance for Hereditary diffuse gastric adenocarcinoma. Last evaluated: 2023-12-03. Review status: criteria provided, single submitter. Criteria: Invitae Variant Classification Sherloc (09022015). Collection method: clinical testing. Allele origin: germline.
Comment: This sequence change replaces threonine, which is neutral and polar, with isoleucine, which is neutral and non-polar, at codon 472 of the CDH1 protein (p.Thr472Ile). This variant is not present in population databases (gnomAD no frequency). This variant has not been reported in the literature in individuals affected with CDH1-related conditions. ClinVar contains an entry for this variant (Variation ID: 1772118). An algorithm developed to predict the effect of missense changes on protein structure and function (PolyPhen-2) suggests that this variant is likely to be disruptive. In summary, the available evidence is currently insufficient to determine the role of this variant in disease. Therefore, it has been classified as a Variant of Uncertain Significance.

Ambry Genetics
Classification: Uncertain significance for Hereditary cancer-predisposing syndrome. Last evaluated: 2021-08-27. Review status: criteria provided, single submitter. Criteria: Ambry Variant Classification Scheme 2023. Collection method: clinical testing. Allele origin: germline.
Comment: The p.T472I variant (also known as c.1415C>T), located in coding exon 10 of the CDH1 gene, results from a C to T substitution at nucleotide position 1415. The threonine at codon 472 is replaced by isoleucine, an amino acid with similar properties. This amino acid position is well conserved in available vertebrate species. In addition, the in silico prediction for this alteration is inconclusive. Since supporting evidence is limited at this time, the clinical significance of this alteration remains unclear.

NM_004360.5(CDH1):c.1415C>T (p.Thr472Ile)

Gene: CDH1 (cadherin 1; plus strand). Cytogenetic location: 16q22.1.
Variant type: single nucleotide variant.
Coding change: c.1415C>T on transcript NM_004360.5 (MANE Select); coding-DNA position 1415, C replaced by T.
Protein change: p.Thr472Ile; replaces threonine 472 with isoleucine.
Molecular consequence: missense variant. On other transcripts: 5 prime UTR variant (2).
Genome position (GRCh38, 1-based): chr16:68,815,609, C>T. VCF-style: chr16-68815609-C-T. GRCh37 (hg19) VCF-style: chr16-68849512-C-T.
Other names: c.1232C>T, p.Thr411Ile (NM_001317184.2); c.-134C>T (NM_001317185.2); c.-405C>T (NM_001317186.2); short protein forms T472I, T411I.
Identifiers: ClinVar variation 1772118 (VCV001772118.5), dbSNP rs2152134870, ClinGen allele CA396462957.
Genomic context (GRCh38, chr16:68,815,609, plus strand): 5'-TACACGTAGCAGTGACGAATGTGGTACCTTTTGAGGTCTCTCTCACCACCTCCACAGCCA[C>T]CGTCACCGTGGATGTGCTGGATGTGAATGAAGCCCCCATCTTTGTGCCTCCTGAAAAGAG-3'
Protein context (NP_004351.1, residues 462-482): FEVSLTTSTA[Thr472Ile]VTVDVLDVNE